The following is an entry in ClinVar:

NM_001286611.2(REPS1):c.1070A>G (p.Tyr357Cys)

Gene: REPS1 (RALBP1 associated Eps domain containing 1; minus strand). Cytogenetic location: 6q24.1.
Variant type: single nucleotide variant.
Coding change: c.1070A>G on transcript NM_001286611.2 (MANE Select); coding-DNA position 1070, A replaced by G.
Protein change: p.Tyr357Cys; replaces tyrosine 357 with cysteine.
Molecular consequence: missense variant.
Genome position (GRCh38, 1-based): chr6:138,941,400, T>C on the plus strand (A>G on the coding strand, the complement: REPS1 is on the minus strand). VCF-style: chr6-138941400-T-C. GRCh37 (hg19) VCF-style: chr6-139262537-T-C.
Other names: c.1070A>G, p.Tyr357Cys (NM_001128617.3, NM_001286612.2, NM_031922.5); short protein forms Y357C.
Identifiers: ClinVar variation 2917666 (VCV002917666.3), dbSNP rs767720358, ClinGen allele CA4024294.

ClinVar aggregate classification (germline): Uncertain significance (1 of 4 stars; one submission).

Allele frequency attached by ClinVar (database versions not stated): gnomAD 0.00003; TOPMed 0.00004; ExAC 0.00006; gnomAD exomes 0.00013.
gnomAD v4.1: 188 of 1,613,938 alleles (0.012%); highest among the groups gnomAD compares: Non-Finnish European, 0.015%; no homozygotes.

Submission:

Labcorp Genetics (formerly Invitae), Labcorp
Classification: Uncertain significance. Last evaluated: 2023-03-10. Review status: criteria provided, single submitter. Criteria: Invitae Variant Classification Sherloc (09022015). Collection method: clinical testing. Allele origin: germline.
Comment: This sequence change replaces tyrosine, which is neutral and polar, with cysteine, which is neutral and slightly polar, at codon 357 of the REPS1 protein (p.Tyr357Cys). In summary, the available evidence is currently insufficient to determine the role of this variant in disease. Therefore, it has been classified as a Variant of Uncertain Significance. Advanced modeling of protein sequence and biophysical properties (such as structural, functional, and spatial information, amino acid conservation, physicochemical variation, residue mobility, and thermodynamic stability) performed at Invitae indicates that this missense variant is expected to disrupt REPS1 protein function. This variant has not been reported in the literature in individuals affected with REPS1-related conditions. This variant is present in population databases (rs767720358, gnomAD 0.007%).